The following is an entry in ClinVar:

ClinVar aggregate classification (germline): Likely benign (0 of 4 stars; one submission).

Conditions:
KDM6A-related disorder. Also called: KDM6A-related condition.

Allele frequency attached by ClinVar (database versions not stated): gnomAD 0.00011; TOPMed 0.00013; gnomAD exomes 0.00018; 1000 Genomes Project 30x 0.00021; ExAC 0.00025; 1000 Genomes Project 0.00026.
gnomAD v4.1: 187 of 1,068,459 alleles (0.018%); highest among the groups gnomAD compares: Non-Finnish European, 0.022%; no homozygotes.

Submission:

PreventionGenetics, part of Exact Sciences
Classification: Likely benign for KDM6A-related condition. Last evaluated: 2023-05-08. Review status: no assertion criteria provided. Collection method: clinical testing. Allele origin: germline.
Comment: This variant is classified as likely benign based on ACMG/AMP sequence variant interpretation guidelines (Richards et al. 2015 PMID: 25741868, with internal and published modifications).

NM_001291415.2(KDM6A):c.1384C>T (p.Pro462Ser)

Gene: KDM6A (lysine demethylase 6A; plus strand). Cytogenetic location: Xp11.3.
Variant type: single nucleotide variant.
Coding change: c.1384C>T on transcript NM_001291415.2 (MANE Select); coding-DNA position 1384, C replaced by T.
Protein change: p.Pro462Ser; replaces proline 462 with serine.
Molecular consequence: missense variant. On other transcripts: non-coding transcript variant (1), intron variant (8).
Genome position (GRCh38, 1-based): chrX:45,060,663, C>T. VCF-style: chrX-45060663-C-T. GRCh37 (hg19) VCF-style: chrX-44919908-C-T.
Other names: c.1249C>T, p.Pro417Ser (NM_001291416.2, NM_001419811.1); c.1384C>T, p.Pro462Ser (NM_001419809.1, NM_001419810.1, NM_001419813.1); c.1329+507C>T (NM_001419812.1, NM_021140.4, NM_001419814.1 and 1 more transcripts); c.1195-661C>T (NM_001291417.2, NM_001419815.1, NM_001291418.2); c.442-661C>T (NM_001291421.2); short protein forms P417S, P462S.
Identifiers: ClinVar variation 3032826 (VCV003032826.2), dbSNP rs773087482, ClinGen allele CA10392343.
Genomic context (GRCh38, chrX:45,060,663, plus strand): 5'-TCTTAGGCATGTAAACCTCATCATCCAAATACTGAACCTGTATTAGGCCTCAGTCAAACA[C>T]CAATTTCACAGCAATCCTTGCCACTACACATGATTCCTTCTAGCCAAGTAGATGACCTGT-3'
Protein context (NP_001278344.1, residues 452-472): TEPVLGLSQT[Pro462Ser]ISQQSLPLHM